The following is an entry in ClinVar:

NM_005618.4(DLL1):c.670+1G>A

Gene: DLL1 (delta like canonical Notch ligand 1; minus strand). Cytogenetic location: 6q27.
Variant type: single nucleotide variant.
Coding change: c.670+1G>A on transcript NM_005618.4 (MANE Select); the canonical splice donor site of the intron after coding-DNA position 670, G replaced by A.
Molecular consequence: splice donor variant.
Genome position (GRCh38, 1-based): chr6:170,288,238, C>T on the plus strand (G>A on the coding strand, the complement: DLL1 is on the minus strand). VCF-style: chr6-170288238-C-T. GRCh37 (hg19) VCF-style: chr6-170597326-C-T.
Identifiers: ClinVar variation 4879297 (VCV004879297.1).

ClinVar aggregate classification (germline): Likely pathogenic (1 of 4 stars; one submission).

Conditions:
Neurodevelopmental disorder with nonspecific brain abnormalities and with or without seizures. Identifiers: MedGen C5231470, MONDO:0032877, OMIM 618709.

Submission:

Clinical Genomics Laboratory, Washington University in St. Louis
Classification: Likely pathogenic for Neurodevelopmental disorder with nonspecific brain abnormalities and with or without seizures. Last evaluated: 2025-11-09. Review status: criteria provided, single submitter. Criteria: ACMG Guidelines, 2015. Collection method: clinical testing. Allele origin: germline. Affected: yes.
Comment: The DLL1 c.670+1G>A variant, to our knowledge, has not been reported in the medical literature and is absent from the general population (gnomAD v.2.1.1), indicating it is not a common variant. This variant occurs within the canonical splice donor site, which is predicted to cause skipping of the exon, leading to an in-frame transcript removing approximately 11% of protein length including a portion of the Delta–Serrate–Lag2 (DSL) domain. Based on available information and the ACMG/AMP guidelines for variant interpretation (Richards S et al., PMID: 25741868), this variant is classified as likely pathogenic.